The following is an entry in ClinVar:

NM_001036.6(RYR3):c.13736A>G (p.Lys4579Arg)

Genes: AVEN (apoptosis and caspase activation inhibitor; minus strand), RYR3 (ryanodine receptor 3; plus strand), LOC126862094 (CDK7 strongly-dependent group 2 enhancer GRCh37_chr15:34145183-34146382; plus strand). Cytogenetic location: 15q14.
Variant type: single nucleotide variant.
Coding change: c.13736A>G on transcript NM_001036.6 (MANE Select); coding-DNA position 13736, A replaced by G.
Protein change: p.Lys4579Arg; replaces lysine 4579 with arginine.
Molecular consequence: missense variant.
Genome position (GRCh38, 1-based): chr15:33,853,619, A>G. VCF-style: chr15-33853619-A-G. GRCh37 (hg19) VCF-style: chr15-34145820-A-G.
Other names: c.13721A>G, p.Lys4574Arg (NM_001243996.4); c.13736A>G (NM_001036.3); short protein forms K4579R, K4574R.
Identifiers: ClinVar variation 970288 (VCV000970288.12), dbSNP rs375405552, ClinGen allele CA7461751.

ClinVar aggregate classification (germline): Uncertain significance. Review status: criteria provided, multiple submitters, no conflicts (2 of 4 stars). 2 submissions from 2 submitters: Uncertain significance (2). Last evaluated 2025-04-15.

Conditions:
Epileptic encephalopathy. Identifiers: MedGen C0543888, HP:0200134.

Allele frequency attached by ClinVar (database versions not stated): gnomAD exomes 0.00001 and 0.00003; ExAC 0.00004; TOPMed 0.00006; gnomAD 0.00009; ESP Exome Variant Server 0.00017.
gnomAD v4.1: 25 of 1,613,924 alleles (0.0015%); highest among the groups gnomAD compares: African/African-American, 0.032%; no homozygotes.

Submissions (2):

Ambry Genetics
Classification: Uncertain significance. Last evaluated: 2025-04-15. Review status: criteria provided, single submitter. Criteria: Ambry Variant Classification Scheme 2023. Collection method: clinical testing. Allele origin: germline.

Labcorp Genetics (formerly Invitae), Labcorp
Classification: Uncertain significance for Epileptic encephalopathy. Last evaluated: 2022-07-11. Review status: criteria provided, single submitter. Criteria: Invitae Variant Classification Sherloc (09022015). Collection method: clinical testing. Allele origin: germline.
Comment: In summary, the available evidence is currently insufficient to determine the role of this variant in disease. Therefore, it has been classified as a Variant of Uncertain Significance. Algorithms developed to predict the effect of sequence changes on RNA splicing suggest that this variant may create or strengthen a splice site. Algorithms developed to predict the effect of missense changes on protein structure and function are either unavailable or do not agree on the potential impact of this missense change (SIFT: "Deleterious"; PolyPhen-2: "Benign"; Align-GVGD: "Class C0"). ClinVar contains an entry for this variant (Variation ID: 970288). This variant has not been reported in the literature in individuals affected with RYR3-related conditions. This variant is present in population databases (rs375405552, gnomAD 0.04%). This sequence change replaces lysine, which is basic and polar, with arginine, which is basic and polar, at codon 4579 of the RYR3 protein (p.Lys4579Arg).